The following is an entry in ClinVar:

NM_001366900.1(TTC21A):c.2904G>A (p.Ala968=)

Gene: TTC21A (tetratricopeptide repeat domain 21A; plus strand). Cytogenetic location: 3p22.2.
Variant type: single nucleotide variant.
Coding change: c.2904G>A on transcript NM_001366900.1 (MANE Select); coding-DNA position 2904, G replaced by A.
Protein change: p.Ala968=; no amino-acid change (alanine 968 retained).
Molecular consequence: synonymous variant. On other transcripts: non-coding transcript variant (3).
Genome position (GRCh38, 1-based): chr3:39,135,134, G>A. VCF-style: chr3-39135134-G-A. GRCh37 (hg19) VCF-style: chr3-39176625-G-A.
Other names: c.2781G>A, p.Ala927= (NM_001105513.3); c.2928G>A, p.Ala976= (NM_001366899.1); c.2925G>A, p.Ala975= (NM_145755.3).
Identifiers: ClinVar variation 3043158 (VCV003043158.2), dbSNP rs141862733, ClinGen allele CA2324853.

ClinVar aggregate classification (germline): Benign (0 of 4 stars; one submission).

Conditions:
TTC21A-related disorder. Also called: TTC21A-related condition.

Allele frequency attached by ClinVar (database versions not stated): ESP Exome Variant Server 0.00150; 1000 Genomes Project 30x 0.00187; TOPMed 0.00187; 1000 Genomes Project 0.00220; ExAC 0.00256; gnomAD 0.00265; gnomAD exomes 0.00320.
gnomAD v4.1: 5,057 of 1,614,002 alleles (0.31%); highest among the groups gnomAD compares: Admixed American, 0.38%; 14 homozygotes.

Submission:

PreventionGenetics, part of Exact Sciences
Classification: Benign for TTC21A-related condition. Last evaluated: 2020-01-23. Review status: no assertion criteria provided. Collection method: clinical testing. Allele origin: germline.
Comment: This variant is classified as benign based on ACMG/AMP sequence variant interpretation guidelines (Richards et al. 2015 PMID: 25741868, with internal and published modifications).